The following is an entry in ClinVar:

NM_000092.5(COL4A4):c.3064C>T (p.Gln1022Ter)

Gene: COL4A4 (collagen type IV alpha 4 chain; minus strand). Cytogenetic location: 2q36.3.
Variant type: single nucleotide variant.
Coding change: c.3064C>T on transcript NM_000092.5 (MANE Select); coding-DNA position 3064, C replaced by T.
Protein change: p.Gln1022Ter; replaces glutamine 1022 with a stop codon.
Molecular consequence: nonsense.
Genome position (GRCh38, 1-based): chr2:227,051,063, G>A on the plus strand (C>T on the coding strand, the complement: COL4A4 is on the minus strand). VCF-style: chr2-227051063-G-A. GRCh37 (hg19) VCF-style: chr2-227915779-G-A.
Other names: short protein forms Q1022*.
Identifiers: ClinVar variation 984048 (VCV000984048.3), dbSNP rs1973992894, ClinGen allele CA350839101.
Genomic context (GRCh38, chr2:227,051,063, plus strand): 5'-CAATGAACCCTCTTAGACCAGTTGAGCCTGGAGGGCCTGGGGGTCCAGGAGGCCCTGGCT[G>A]ACCTTTCTCACCAGGTTCCCCTCTGTGAAATCCAGGTGGTCCGTATCTTCCCGGCTCTCC-3'

ClinVar aggregate classification (germline): Likely pathogenic (1 of 4 stars; one submission).

Conditions:
Autosomal recessive Alport syndrome (ATS2). Also called: ALPORT SYNDROME 2, AUTOSOMAL RECESSIVE; Alport syndrome type 2; COL4A4 Alport Syndrome and Thin Basement Membrane Nephropathy; COL4A3-Related Nephropathy. Identifiers: Orphanet 63, Orphanet 88919, MedGen C4746745, MONDO:0008762, OMIM 203780.

Submission:

Myriad Genetics, Inc.
Classification: Likely pathogenic for Autosomal recessive Alport syndrome. Last evaluated: 2020-03-07. Review status: criteria provided, single submitter. Criteria: Myriad Women's Health Autosomal Recessive and X-Linked Classification Criteria (2019). Collection method: clinical testing. Allele origin: unknown.
Comment: NM_000092.4(COL4A4):c.3064C>T(Q1022*) is expected to be pathogenic in the context of COL4A4-related Alport syndrome. This variant is predicted to lead to an abnormal or absent protein product due to the creation of a premature termination codon in COL4A4, a gene where loss-of-function variants are known to be pathogenic. Please note: this variant was assessed in the context of healthy population screening.